The following is an entry in ClinVar:

ClinVar aggregate classification (germline): Uncertain significance (1 of 4 stars; one submission).

Conditions:
Kabuki syndrome. Also called: NIIKAWA-KUROKI SYNDROME; Kabuki make-up syndrome. Identifiers: Orphanet 2322, MedGen C0796004, MONDO:0016512.

Allele frequency attached by ClinVar (database versions not stated): gnomAD 0.00001 and 0.00002; ExAC 0.00003; TOPMed 0.00003; 1000 Genomes Project 30x 0.00016.

Submission:

Labcorp Genetics (formerly Invitae), Labcorp
Classification: Uncertain significance for Kabuki syndrome. Last evaluated: 2024-09-06. Review status: criteria provided, single submitter. Criteria: Invitae Variant Classification Sherloc (09022015). Collection method: clinical testing. Allele origin: germline.
Comment: This sequence change affects codon 1622 of the KMT2D mRNA. It is a 'silent' change, meaning that it does not change the encoded amino acid sequence of the KMT2D protein. This variant is present in population databases (rs755279282, gnomAD 0.02%). This variant has not been reported in the literature in individuals affected with KMT2D-related conditions. ClinVar contains an entry for this variant (Variation ID: 1357158). Algorithms developed to predict the effect of sequence changes on RNA splicing suggest that this variant may create or strengthen a splice site. In summary, the available evidence is currently insufficient to determine the role of this variant in disease. Therefore, it has been classified as a Variant of Uncertain Significance.

NM_003482.4(KMT2D):c.4866C>T (p.Gly1622=)

Gene: KMT2D (lysine methyltransferase 2D; minus strand). Cytogenetic location: 12q13.12.
Variant type: single nucleotide variant.
Coding change: c.4866C>T on transcript NM_003482.4 (MANE Select); coding-DNA position 4866, C replaced by T.
Protein change: p.Gly1622=; no amino-acid change (glycine 1622 retained).
Molecular consequence: synonymous variant.
Genome position (GRCh38, 1-based): chr12:49,044,841, G>A on the plus strand (C>T on the coding strand, the complement: KMT2D is on the minus strand). VCF-style: chr12-49044841-G-A. GRCh37 (hg19) VCF-style: chr12-49438624-G-A.
Identifiers: ClinVar variation 1357158 (VCV001357158.6), dbSNP rs755279282, ClinGen allele CA6547697.